The following is an entry in ClinVar:

NM_000199.5(SGSH):c.506+4T>A

Gene: SGSH (N-sulfoglucosamine sulfohydrolase; minus strand). Cytogenetic location: 17q25.3.
Variant type: single nucleotide variant.
Coding change: c.506+4T>A on transcript NM_000199.5 (MANE Select); 4 bases into the intron after coding-DNA position 506, T replaced by A.
Molecular consequence: intron variant.
Genome position (GRCh38, 1-based): chr17:80,214,611, A>T on the plus strand (T>A on the coding strand, the complement: SGSH is on the minus strand). VCF-style: chr17-80214611-A-T. GRCh37 (hg19) VCF-style: chr17-78188410-A-T.
Other names: c.506+4T>A (NM_001352921.3, NM_001352922.2).
Identifiers: ClinVar variation 1411100 (VCV001411100.3), dbSNP rs1378763987, ClinGen allele CA775537232.
Genomic context (GRCh38, chr17:80,214,611, plus strand): 5'-AAGACTCCGGGCTGTGCTCTGGTACCGGCCGCCAGGGGGAAGGGGCAGGGGCCCCGACTC[A>T]TACCGGTCATCCTGAGTCTGCAGGAATTTCCGGACGAGCAGCTTAATTCTAGTGATGTTC-3'

ClinVar aggregate classification (germline): Uncertain significance (1 of 4 stars; one submission).

Conditions:
Mucopolysaccharidosis, MPS-III-A (MPS3A). Also called: Mucopolysaccharidosis, type IIIA; mucopolysaccharidosis type 3A; MPS IIIA (Sanfilippo Syndrome Type A); HEPARAN SULFATE SULFATASE DEFICIENCY; Mucopolysaccharidosis type IIIA (Sanfilippo A); SANFILIPPO SYNDROME A. Identifiers: Orphanet 581, Orphanet 79269, MedGen C0086647, MONDO:0009655, OMIM 252900.

Allele frequency attached by ClinVar (database versions not stated): gnomAD 0.00001; gnomAD exomes 0.00001; TOPMed below 0.00001.
gnomAD v4.1: 13 of 1,612,190 alleles (0.00081%); highest among the groups gnomAD compares: Non-Finnish European, 0.001%; no homozygotes.

Submission:

Labcorp Genetics (formerly Invitae), Labcorp
Classification: Uncertain significance for Mucopolysaccharidosis, MPS-III-A. Last evaluated: 2022-09-27. Review status: criteria provided, single submitter. Criteria: Invitae Variant Classification Sherloc (09022015). Collection method: clinical testing. Allele origin: germline.
Comment: This sequence change falls in intron 4 of the SGSH gene. It does not directly change the encoded amino acid sequence of the SGSH protein. It affects a nucleotide within the consensus splice site. This variant is not present in population databases (gnomAD no frequency). This variant has not been reported in the literature in individuals affected with SGSH-related conditions. ClinVar contains an entry for this variant (Variation ID: 1411100). Variants that disrupt the consensus splice site are a relatively common cause of aberrant splicing (PMID: 17576681, 9536098). Algorithms developed to predict the effect of sequence changes on RNA splicing suggest that this variant may disrupt the consensus splice site. In summary, the available evidence is currently insufficient to determine the role of this variant in disease. Therefore, it has been classified as a Variant of Uncertain Significance.

Literature cited by the submitters: PubMed 17576681; PubMed 9536098.